The following is an entry in ClinVar:

ClinVar aggregate classification (germline): Uncertain significance. Review status: criteria provided, multiple submitters, no conflicts (2 of 4 stars). 3 submissions from 3 submitters: Uncertain significance (3). Last evaluated 2024-06-26.

Conditions:
Optic atrophy 3 (OPA3). Also called: OPTIC ATROPHY 3, AUTOSOMAL DOMINANT; Optic atrophy 3 with cataract; Optic atrophy, cataract, and neurologic disorder. Identifiers: Orphanet 67036, MedGen C1833809, MONDO:0008133, OMIM 165300.
3-Methylglutaconic aciduria type 3 (MGCA3). Also called: Costeff Syndrome; OPA3, AUTOSOMAL RECESSIVE; OPTIC ATROPHY 3, AUTOSOMAL RECESSIVE; OPA3-Related 3-Methylglutaconic Aciduria. Identifiers: Orphanet 67047, MedGen C0574084, MONDO:0009787, OMIM 258501.

Allele frequency attached by ClinVar (database versions not stated): gnomAD 0.00001; TOPMed 0.00001.
gnomAD v4.1: 11 of 1,607,058 alleles (0.00068%); highest among the groups gnomAD compares: Admixed American, 0.0017%; no homozygotes.

Submissions (3):

Labcorp Genetics (formerly Invitae), Labcorp
Classification: Uncertain significance for 3-Methylglutaconic aciduria type 3; Optic atrophy 3. Last evaluated: 2024-06-26. Review status: criteria provided, single submitter. Criteria: Invitae Variant Classification Sherloc (09022015). Collection method: clinical testing. Allele origin: germline.
Comment: This sequence change replaces proline, which is neutral and non-polar, with arginine, which is basic and polar, at codon 144 of the OPA3 protein (p.Pro144Arg). This variant is present in population databases (rs775398472, gnomAD 0.003%). This variant has not been reported in the literature in individuals affected with OPA3-related conditions. ClinVar contains an entry for this variant (Variation ID: 1709962). An algorithm developed to predict the effect of missense changes on protein structure and function (PolyPhen-2) suggests that this variant¬¨‚Ä†is likely to be tolerated. In summary, the available evidence is currently insufficient to determine the role of this variant in disease. Therefore, it has been classified as a Variant of Uncertain Significance.

MGZ Medical Genetics Center
Classification: Uncertain significance for Optic atrophy 3. Last evaluated: 2021-09-10. Review status: criteria provided, single submitter. Criteria: ACMG Guidelines, 2015. Collection method: clinical testing. Allele origin: germline. Affected: yes. Observed: 1 variant allele.
Comment: ACMG criteria applied: PM2_SUP

Blueprint Genetics
Classification: Uncertain significance. Last evaluated: 2020-06-30. Review status: criteria provided, single submitter. Criteria: ACMG Guidelines, 2015. Collection method: clinical testing. Allele origin: germline.

NM_025136.4(OPA3):c.431C>G (p.Pro144Arg)

Genes: OPA3 (outer mitochondrial membrane lipid metabolism regulator OPA3; minus strand), OPA3-RTN2 (OPA3-RTN2 readthrough; minus strand). Cytogenetic location: 19q13.32.
Variant type: single nucleotide variant.
Coding change: c.431C>G on transcript NM_025136.4 (MANE Select); coding-DNA position 431, C replaced by G.
Protein change: p.Pro144Arg; replaces proline 144 with arginine.
Molecular consequence: missense variant. On other transcripts: intron variant (1).
Genome position (GRCh38, 1-based): chr19:45,553,623, G>C on the plus strand (C>G on the coding strand, the complement: OPA3 is on the minus strand). VCF-style: chr19-45553623-G-C. GRCh37 (hg19) VCF-style: chr19-46056881-G-C.
Other names: c.143-24167C>G (NM_001017989.3); short protein forms P144R.
Identifiers: ClinVar variation 1709962 (VCV001709962.6), dbSNP rs775398472, ClinGen allele CA9517394.